The following is an entry in ClinVar:

NM_000044.6(AR):c.2016C>A (p.Pro672=)

Gene: AR (androgen receptor; plus strand). Cytogenetic location: Xq12.
Variant type: single nucleotide variant.
Coding change: c.2016C>A on transcript NM_000044.6 (MANE Select); coding-DNA position 2016, C replaced by A.
Protein change: p.Pro672=; no amino-acid change (proline 672 retained).
Molecular consequence: synonymous variant.
Genome position (GRCh38, 1-based): chrX:67,711,532, C>A. VCF-style: chrX-67711532-C-A. GRCh37 (hg19) VCF-style: chrX-66931374-C-A.
Other names: c.420C>A, p.Pro140= (NM_001011645.3); c.2019C>A, p.Pro673= (NM_001424175.1).
Identifiers: ClinVar variation 2938360 (VCV002938360.4), dbSNP rs764451285, ClinGen allele CA10436566.

ClinVar aggregate classification (germline): Benign/Likely benign. Review status: criteria provided, multiple submitters, no conflicts (2 of 4 stars). 2 submissions from 2 submitters: Benign (1); Likely benign (1). Last evaluated 2026-09-01.

Conditions:
Androgen resistance syndrome (AIS). Also called: ANDROGEN RECEPTOR DEFICIENCY; DIHYDROTESTOSTERONE RECEPTOR DEFICIENCY; TESTICULAR FEMINIZATION SYNDROME; Androgen insensitivity, complete; Androgen insensitivity; Androgen insensitivity syndrome due to coactivator deficiency. Identifiers: Orphanet 754, Orphanet 99429, MedGen C0039585, MONDO:0019154, OMIM 300068. Disease mechanism: loss of function.
Kennedy disease (SMAX1). Also called: SPINAL AND BULBAR MUSCULAR ATROPHY, X-LINKED 1; KENNEDY SPINAL AND BULBAR MUSCULAR ATROPHY; Spinal and Bulbar Muscular Atrophy. Identifiers: Orphanet 481, MedGen C1839259, MONDO:0010735, OMIM 313200.

Allele frequency attached by ClinVar (database versions not stated): ExAC 0.00002; TOPMed 0.00009; gnomAD exomes 0.00011; gnomAD 0.00014.
gnomAD v4.1: 135 of 1,209,921 alleles (0.011%); highest among the groups gnomAD compares: Non-Finnish European, 0.014%; no homozygotes.

Submissions (2):

CeGaT Center for Human Genetics Tuebingen
Classification: Likely benign. Last evaluated: 2026-09-01. Review status: criteria provided, single submitter. Criteria: CeGaT Center For Human Genetics Tuebingen Variant Classification Criteria Version 2. Collection method: clinical testing. Allele origin: germline. Affected: yes. Observed: 1 variant allele.
Comment: AR: BP4, BP7, BS2

Labcorp Genetics (formerly Invitae), Labcorp
Classification: Benign for Kennedy disease; Androgen resistance syndrome. Last evaluated: 2024-02-05. Review status: criteria provided, single submitter. Criteria: Invitae Variant Classification Sherloc (09022015). Collection method: clinical testing. Allele origin: germline.